The following is an entry in ClinVar:

ClinVar aggregate classification (germline): Conflicting classifications of pathogenicity. Review status: criteria provided, conflicting classifications (1 of 4 stars). 3 submissions from 3 submitters: Uncertain significance (1); Likely benign (2). Last evaluated 2022-12-24.

Conditions:
Hereditary cancer-predisposing syndrome. Also called: Tumor predisposition; Hereditary neoplastic syndrome; Neoplastic Syndromes, Hereditary; Hereditary Cancer Syndrome. Identifiers: Orphanet 140162, MedGen C0027672, MeSH D009386, MONDO:0015356.
Hereditary breast ovarian cancer syndrome. Also called: Hereditary breast and/or ovarian cancer syndrome; Hereditary breast and ovarian cancer syndrome; Hereditary breast and ovarian cancer syndrome (HBOC); Hereditary breast and ovarian cancer; BRCA1- and BRCA2-Associated Hereditary Breast and Ovarian Cancer; Breast and ovarian cancer. Identifiers: Orphanet 145, MedGen C0677776, MeSH D061325, MONDO:0003582. Disease mechanism: loss of function.

gnomAD v4.1: 1 of 1,614,140 alleles (0.000062%); highest among the groups gnomAD compares: Non-Finnish European, 0.000085%; no homozygotes.

Submissions (3):

Labcorp Genetics (formerly Invitae), Labcorp
Classification: Uncertain significance for Hereditary breast ovarian cancer syndrome. Last evaluated: 2022-12-24. Review status: criteria provided, single submitter. Criteria: Invitae Variant Classification Sherloc (09022015). Collection method: clinical testing. Allele origin: germline.
Comment: This variant is not present in population databases (gnomAD no frequency). In summary, the available evidence is currently insufficient to determine the role of this variant in disease. Therefore, it has been classified as a Variant of Uncertain Significance. Advanced modeling of protein sequence and biophysical properties (such as structural, functional, and spatial information, amino acid conservation, physicochemical variation, residue mobility, and thermodynamic stability) performed at Invitae indicates that this missense variant is not expected to disrupt BRCA2 protein function. ClinVar contains an entry for this variant (Variation ID: 378959). This variant has not been reported in the literature in individuals affected with BRCA2-related conditions. This sequence change replaces glutamic acid, which is acidic and polar, with aspartic acid, which is acidic and polar, at codon 3330 of the BRCA2 protein (p.Glu3330Asp).

Ambry Genetics
Classification: Likely benign for Hereditary cancer-predisposing syndrome. Last evaluated: 2016-10-12. Review status: criteria provided, single submitter. Criteria: Ambry Variant Classification Scheme 2023. Collection method: clinical testing. Allele origin: germline.

GeneDx
Classification: Likely benign. Last evaluated: 2015-07-20. Review status: criteria provided, single submitter. Criteria: GeneDx Variant Classification (06012015). Collection method: clinical testing. Allele origin: germline. Affected: yes.
Comment: This variant is considered likely benign or benign based on one or more of the following criteria: it is a conservative change, it occurs at a poorly conserved position in the protein, it is predicted to be benign by multiple in silico algorithms, and/or has population frequency not consistent with disease.

NM_000059.4(BRCA2):c.9990A>C (p.Glu3330Asp)

Gene: BRCA2 (BRCA2 DNA repair associated; plus strand). Cytogenetic location: 13q13.1.
Variant type: single nucleotide variant.
Coding change: c.9990A>C on transcript NM_000059.4 (MANE Select); coding-DNA position 9990, A replaced by C.
Protein change: p.Glu3330Asp; replaces glutamic acid 3330 with aspartic acid.
Molecular consequence: missense variant.
Genome position (GRCh38, 1-based): chr13:32,398,503, A>C. VCF-style: chr13-32398503-A-C. GRCh37 (hg19) VCF-style: chr13-32972640-A-C.
Other names: short protein forms E3330D.
Identifiers: ClinVar variation 378959 (VCV000378959.15), dbSNP rs1057520433, ClinGen allele CA16606711.